The following is an entry in ClinVar:

NM_000128.4(F11):c.1028+5G>T

Gene: F11 (coagulation factor XI; plus strand). Cytogenetic location: 4q35.2.
Variant type: single nucleotide variant.
Coding change: c.1028+5G>T on transcript NM_000128.4 (MANE Select); 5 bases into the intron after coding-DNA position 1028, G replaced by T.
Molecular consequence: intron variant.
Genome position (GRCh38, 1-based): chr4:186,280,390, G>T. VCF-style: chr4-186280390-G-T. GRCh37 (hg19) VCF-style: chr4-187201544-G-T.
Other names: c.1028+5G>T (NM_001440593.1); c.980+5G>T (NM_001440590.1, NM_001440596.1); c.758+5G>T (NM_001440605.1, NM_001440607.1); c.710+5G>T (NM_001440606.1, NM_001440608.1).
Identifiers: ClinVar variation 5004929 (VCV005004929.1).

ClinVar aggregate classification (germline): Uncertain significance (1 of 4 stars; one submission).

Conditions:
Hereditary factor XI deficiency disease. Also called: PLASMA THROMBOPLASTIN ANTECEDENT DEFICIENCY; PTA DEFICIENCY; ROSENTHAL SYNDROME; Congenital factor XI deficiency. Identifiers: Orphanet 329, MedGen C0015523, MeSH D005173, MONDO:0012897, OMIM 612416.

gnomAD v4.1: 3 of 1,614,212 alleles (0.00019%); highest among the groups gnomAD compares: Non-Finnish European, 0.00025%; no homozygotes.

Submission:

Myriad Genetics, Inc.
Classification: Uncertain significance for Hereditary factor XI deficiency disease. Last evaluated: 2025-09-08. Review status: criteria provided, single submitter. Criteria: Myriad Autosomal Dominant, Autosomal Recessive and X-Linked Classification Criteria (2023). Collection method: clinical testing. Allele origin: unknown.
Comment: NM_000128.3(F11):c.1028+5G>T is an intronic variant classified as a variant of uncertain significance in the context of factor XI deficiency. c.1028+5G>T has been observed in a case with relevant disease (PMID: 19652879). Relevant functional assessments of this variant are not available in the literature. c.1028+5G>T has been observed in referenced population frequency databases. In summary, there is insufficient evidence to classify NM_000128.3(F11):c.1028+5G>T as pathogenic or benign. Please note: this variant was assessed in the context of healthy population screening.

Literature cited by the submitters: PubMed 19652879.